The following is an entry in ClinVar:

NM_000038.6(APC):c.2245T>A (p.Leu749Met)

Gene: APC (APC regulator of Wnt signaling pathway; plus strand). Cytogenetic location: 5q22.2.
Variant type: single nucleotide variant.
Coding change: c.2245T>A on transcript NM_000038.6 (MANE Select); coding-DNA position 2245, T replaced by A.
Protein change: p.Leu749Met; replaces leucine 749 with methionine.
Molecular consequence: missense variant.
Genome position (GRCh38, 1-based): chr5:112,837,839, T>A. VCF-style: chr5-112837839-T-A. GRCh37 (hg19) VCF-style: chr5-112173536-T-A.
Other names: c.2245T>A, p.Leu749Met (NM_001127510.3, NM_001354895.2); c.2191T>A, p.Leu731Met (NM_001127511.3); c.2299T>A, p.Leu767Met (NM_001354896.2); c.2275T>A, p.Leu759Met (NM_001354897.2); c.2170T>A, p.Leu724Met (NM_001354898.2); c.2161T>A, p.Leu721Met (NM_001354899.2); c.2122T>A, p.Leu708Met (NM_001354900.2); c.2068T>A, p.Leu690Met (NM_001354901.2); and 5 more; short protein forms L749M, L731M, L648M, L690M, L708M, L759M, L466M, L658M.
Identifiers: ClinVar variation 469738 (VCV000469738.20), dbSNP rs976000214, ClinGen allele CA16026250.
Genomic context (GRCh38, chr5:112,837,839, plus strand): 5'-CTCATGGCAAATAGGCCTGCGAAGTACAAGGATGCCAATATTATGTCTCCTGGCTCAAGC[T>A]TGCCATCTCTTCATGTTAGGAAACAAAAAGCCCTAGAAGCAGAATTAGATGCTCAGCACT-3'
Protein context (NP_000029.2, residues 739-759): DANIMSPGSS[Leu749Met]PSLHVRKQKA

ClinVar aggregate classification (germline): Uncertain significance. Review status: criteria provided, multiple submitters, no conflicts (2 of 4 stars). 5 submissions from 5 submitters: Uncertain significance (5). Last evaluated 2025-12-15.

Conditions:
APC-related disorder. Also called: APC-related condition.
Familial adenomatous polyposis 1 (FAP1). Also called: FAMILIAL ADENOMATOUS POLYPOSIS 1, ATTENUATED; POLYPOSIS, ADENOMATOUS INTESTINAL. Identifiers: MedGen C2713442, MONDO:0021056, OMIM 175100. Disease mechanism: loss of function.
Hereditary cancer-predisposing syndrome. Also called: Neoplastic Syndromes, Hereditary; Tumor predisposition; Hereditary neoplastic syndrome; Hereditary Cancer Syndrome. Identifiers: Orphanet 140162, MedGen C0027672, MeSH D009386, MONDO:0015356.

Submissions (5):

Ambry Genetics
Classification: Uncertain significance for Hereditary cancer-predisposing syndrome. Last evaluated: 2025-12-15. Review status: criteria provided, single submitter. Criteria: Ambry Variant Classification Scheme 2023. Collection method: clinical testing. Allele origin: germline.
Comment: The p.L749M variant (also known as c.2245T>A), located in coding exon 15 of the APC gene, results from a T to A substitution at nucleotide position 2245. The leucine at codon 749 is replaced by methionine, an amino acid with highly similar properties. This amino acid position is not well conserved in available vertebrate species. In addition, in silico predictors for this gene do not accurately predict pathogenicity. Since supporting evidence is limited at this time, the clinical significance of this alteration remains unclear.

Labcorp Genetics (formerly Invitae), Labcorp
Classification: Uncertain significance for Familial adenomatous polyposis 1. Last evaluated: 2025-11-05. Review status: criteria provided, single submitter. Criteria: Invitae Variant Classification Sherloc (09022015). Collection method: clinical testing. Allele origin: germline.
Comment: This sequence change replaces leucine, which is neutral and non-polar, with methionine, which is neutral and non-polar, at codon 749 of the APC protein (p.Leu749Met). This variant is not present in population databases (gnomAD no frequency). This variant has not been reported in the literature in individuals affected with APC-related conditions. ClinVar contains an entry for this variant (Variation ID: 469738). Invitae Evidence Modeling of protein sequence and biophysical properties (such as structural, functional, and spatial information, amino acid conservation, physicochemical variation, residue mobility, and thermodynamic stability) indicates that this missense variant is not expected to disrupt APC protein function with a negative predictive value of 95%. In summary, the available evidence is currently insufficient to determine the role of this variant in disease. Therefore, it has been classified as a Variant of Uncertain Significance.

Baylor Genetics
Classification: Uncertain significance for Familial adenomatous polyposis 1. Last evaluated: 2024-01-23. Review status: criteria provided, single submitter. Criteria: ACMG Guidelines, 2015. Collection method: clinical testing. Allele origin: unknown.

Color Diagnostics, LLC DBA Color Health
Classification: Uncertain significance for Hereditary cancer-predisposing syndrome. Last evaluated: 2023-12-05. Review status: criteria provided, single submitter. Criteria: ACMG Guidelines, 2015. Collection method: clinical testing. Allele origin: germline.
Comment: This missense variant replaces leucine with methionine at codon 749 of the APC protein. Computational prediction suggests that this variant may not impact protein structure and function (internally defined REVEL score threshold <= 0.5, PMID: 27666373). To our knowledge, functional studies have not been reported for this variant. This variant has not been reported in individuals affected with APC-related disorders in the literature. This variant has not been identified in the general population by the Genome Aggregation Database (gnomAD). The available evidence is insufficient to determine the role of this variant in disease conclusively. Therefore, this variant is classified as a Variant of Uncertain Significance.

PreventionGenetics, part of Exact Sciences
Classification: Uncertain significance for APC-related condition. Last evaluated: 2022-08-31. Review status: criteria provided, single submitter. Criteria: ACMG Guidelines, 2015. Collection method: clinical testing. Allele origin: germline.
Comment: The APC c.2245T>A variant is predicted to result in the amino acid substitution p.Leu749Met. To our knowledge, this variant has not been reported in the literature or in a large population database, indicating this variant is rare. This variant is listed in ClinVar as uncertain. At this time, the clinical significance of this variant is uncertain due to the absence of conclusive functional and genetic evidence.